The following is an entry in ClinVar:

ClinVar aggregate classification (germline): Uncertain significance (1 of 4 stars; one submission).

Submission:

Labcorp Genetics (formerly Invitae), Labcorp
Classification: Uncertain significance. Last evaluated: 2024-10-06. Review status: criteria provided, single submitter. Criteria: Invitae Variant Classification Sherloc (09022015). Collection method: clinical testing. Allele origin: germline.
Comment: This variant, c.9016_9018del, results in the deletion of 1 amino acid(s) of the KMT2A protein (p.His3006del), but otherwise preserves the integrity of the reading frame. This variant is not present in population databases (gnomAD no frequency). This variant has not been reported in the literature in individuals affected with KMT2A-related conditions. Experimental studies and prediction algorithms are not available or were not evaluated, and the functional significance of this variant is currently unknown. In summary, the available evidence is currently insufficient to determine the role of this variant in disease. Therefore, it has been classified as a Variant of Uncertain Significance.

NM_001197104.2(KMT2A):c.9016_9018del (p.His3006del)

Gene: KMT2A (lysine methyltransferase 2A; plus strand). Cytogenetic location: 11q23.3.
Variant type: Deletion.
Coding change: c.9016_9018del on transcript NM_001197104.2 (MANE Select); coding-DNA positions 9016 to 9018, 3 bases deleted (CAC; older notation c.9016_9018delCAC).
Protein change: p.His3006del; deletes histidine 3006.
Genome position (GRCh38, 1-based): chr11:118,504,908-118,504,910, CAC deleted; deleting any 3 consecutive bases within chr11:118,504,906-118,504,910 gives the same sequence; the c. name uses the placement nearest the transcript's 3' end. VCF-style (leftmost placement, unchanged base first): chr11-118504905-GACC-G. GRCh37 (hg19) VCF-style: chr11-118375620-GACC-G.
Other names: c.9106_9108del, p.His3036del (NM_001412597.1); c.9007_9009del, p.His3003del (NM_005933.4); short protein forms H3036del, H3003del, H3006del.
Identifiers: ClinVar variation 3721921 (VCV003721921.2).